The following is an entry in ClinVar:

NM_001854.4(COL11A1):c.4002_4010del (p.Asp1334_Gly1336del)

Gene: COL11A1 (collagen type XI alpha 1 chain; minus strand). Cytogenetic location: 1p21.1.
Variant type: Deletion.
Coding change: c.4002_4010del on transcript NM_001854.4 (MANE Select); coding-DNA positions 4002 to 4010, 9 bases deleted (CAAGGGTGA; older notation c.4002_4010delCAAGGGTGA).
Protein change: p.Asp1334_Gly1336del.
Molecular consequence: inframe deletion. On other transcripts: non-coding transcript variant (1).
Genome position (GRCh38, 1-based): chr1:102,913,659-102,913,667, TCACCCTTG deleted on the plus strand (CAAGGGTGA on the coding strand, the reverse complement: COL11A1 is on the minus strand); deleting any 9 consecutive bases within chr1:102,913,659-102,913,672 gives the same sequence; the c. name uses the placement nearest the transcript's 3' end. VCF-style (leftmost placement, unchanged base first): chr1-102913658-TTCACCCTTG-T. GRCh37 (hg19) VCF-style: chr1-103379214-TTCACCCTTG-T.
Other names: c.3885_3893del, p.Asp1295_Gly1297del (NM_001190709.2); c.4038_4046del, p.Asp1346_Gly1348del (NM_080629.3); c.3654_3662del, p.Asp1218_Gly1220del (NM_080630.4).
Identifiers: ClinVar variation 1067188 (VCV001067188.9), dbSNP rs2101026073, ClinGen allele CA2499214086.
Genomic context (GRCh38, chr1:102,913,658, plus strand): 5'-TATGTAAAAACTTAAAAATAAATTAGTGCATTTACTCACCGGTTGACCAGGATCTCCATC[TTCACCCTTG>T]TCACCACCAACACCATCTTGACCCTATAAGAGGCAATAAAATATGAAGCAAGATATATCT-3'

ClinVar aggregate classification (germline): Likely pathogenic (1 of 4 stars; one submission).

Submission:

Labcorp Genetics (formerly Invitae), Labcorp
Classification: Likely pathogenic. Last evaluated: 2023-07-17. Review status: criteria provided, single submitter. Criteria: Invitae Variant Classification Sherloc (09022015). Collection method: clinical testing. Allele origin: germline.
Comment: In summary, the currently available evidence indicates that the variant is pathogenic, but additional data are needed to prove that conclusively. Therefore, this variant has been classified as Likely Pathogenic. This variant, c.4002_4010del, results in the deletion of 3 amino acid(s) of the COL11A1 protein (p.Asp1334_Gly1336del), but otherwise preserves the integrity of the reading frame. This variant is not present in population databases (gnomAD no frequency). This variant has been observed in individual(s) with clinical features of COL11A1-related conditions (Invitae). In at least one individual the variant was observed to be de novo. ClinVar contains an entry for this variant (Variation ID: 1067188).